The following is an entry in ClinVar:

ClinVar aggregate classification (germline): Uncertain significance (1 of 4 stars; one submission).

Submission:

Labcorp Genetics (formerly Invitae), Labcorp
Classification: Uncertain significance. Last evaluated: 2024-10-22. Review status: criteria provided, single submitter. Criteria: Invitae Variant Classification Sherloc (09022015). Collection method: clinical testing. Allele origin: germline.
Comment: This sequence change replaces arginine, which is basic and polar, with proline, which is neutral and non-polar, at codon 304 of the C3 protein (p.Arg304Pro). This variant is not present in population databases (gnomAD no frequency). This variant has not been reported in the literature in individuals affected with C3-related conditions. Invitae Evidence Modeling of protein sequence and biophysical properties (such as structural, functional, and spatial information, amino acid conservation, physicochemical variation, residue mobility, and thermodynamic stability) has been performed for this missense variant. However, the output from this modeling did not meet the statistical confidence thresholds required to predict the impact of this variant on C3 protein function. In summary, the available evidence is currently insufficient to determine the role of this variant in disease. Therefore, it has been classified as a Variant of Uncertain Significance.

NM_000064.4(C3):c.911G>C (p.Arg304Pro)

Gene: C3 (complement C3; minus strand). Cytogenetic location: 19p13.3.
Variant type: single nucleotide variant.
Coding change: c.911G>C on transcript NM_000064.4 (MANE Select); coding-DNA position 911, G replaced by C.
Protein change: p.Arg304Pro; replaces arginine 304 with proline.
Molecular consequence: missense variant.
Genome position (GRCh38, 1-based): chr19:6,713,281, C>G on the plus strand (G>C on the coding strand, the complement: C3 is on the minus strand). VCF-style: chr19-6713281-C-G. GRCh37 (hg19) VCF-style: chr19-6713292-C-G.
Other names: short protein forms R304P.
Identifiers: ClinVar variation 2974833 (VCV002974833.3), dbSNP rs866279562, ClinGen allele CA403642259.
Genomic context (GRCh38, chr19:6,713,281, plus strand): 5'-AAAGACTTCCCCACCAGGTCTTCTGCTCGGGGGTTCTGCACCCCGTCCAGCAGTACCTTC[C>G]GGCTCAGCACAACCTCCCCCGAGCCATCCTCAATCTGAGAAGGGAGAGGAGGGCTCAGAG-3'
Protein context (NP_000055.2, residues 294-314): EDGSGEVVLS[Arg304Pro]KVLLDGVQNP